The following is an entry in ClinVar:

ClinVar aggregate classification (germline): Conflicting classifications of pathogenicity. Review status: criteria provided, conflicting classifications (1 of 4 stars). 3 submissions from 3 submitters: Uncertain significance (2); Likely benign (1). Last evaluated 2023-09-12.

Conditions:
Mendelian susceptibility to mycobacterial diseases due to complete IL12RB1 deficiency. Also called: IL12RB1 DEFICIENCY; Immunodeficiency 30. Identifiers: Orphanet 319552, MedGen C4013949, MONDO:0013955, OMIM 614891.
Inborn genetic diseases. Identifiers: MedGen C0950123, MeSH D030342.

Allele frequency attached by ClinVar (database versions not stated): ExAC 0.00008; TOPMed 0.00013; ESP Exome Variant Server 0.00015; 1000 Genomes Project 30x 0.00016; gnomAD 0.00017; 1000 Genomes Project 0.00020.
gnomAD v4.1: 40 of 1,591,512 alleles (0.0025%); highest among the groups gnomAD compares: African/African-American, 0.051%; no homozygotes.

Submissions (3):

Blueprint Genetics
Classification: Uncertain significance. Last evaluated: 2023-09-12. Review status: criteria provided, single submitter. Criteria: ACMG Guidelines, 2015. Collection method: clinical testing. Allele origin: germline.

Ambry Genetics
Classification: Likely benign for Inborn genetic diseases. Last evaluated: 2022-02-10. Review status: criteria provided, single submitter. Criteria: Ambry Variant Classification Scheme 2023. Collection method: clinical testing. Allele origin: germline.

Labcorp Genetics (formerly Invitae), Labcorp
Classification: Uncertain significance for Mendelian susceptibility to mycobacterial diseases due to complete IL12RB1 deficiency. Last evaluated: 2021-08-28. Review status: criteria provided, single submitter. Criteria: Invitae Variant Classification Sherloc (09022015). Collection method: clinical testing. Allele origin: germline.
Comment: This sequence change replaces glutamic acid with aspartic acid at codon 140 of the IL12RB1 protein (p.Glu140Asp). The glutamic acid residue is weakly conserved and there is a small physicochemical difference between glutamic acid and aspartic acid. This variant is present in population databases (rs368411705, ExAC 0.07%). This variant has not been reported in the literature in individuals affected with IL12RB1-related conditions. Algorithms developed to predict the effect of missense changes on protein structure and function output the following: SIFT: "Tolerated"; PolyPhen-2: "Benign"; Align-GVGD: "Class C0". The aspartic acid amino acid residue is found in multiple mammalian species, which suggests that this missense change does not adversely affect protein function. In summary, the available evidence is currently insufficient to determine the role of this variant in disease. Therefore, it has been classified as a Variant of Uncertain Significance.

NM_005535.3(IL12RB1):c.420G>C (p.Glu140Asp)

Gene: IL12RB1 (interleukin 12 receptor subunit beta 1; minus strand). Cytogenetic location: 19p13.11.
Variant type: single nucleotide variant.
Coding change: c.420G>C on transcript NM_005535.3 (MANE Select); coding-DNA position 420, G replaced by C.
Protein change: p.Glu140Asp; replaces glutamic acid 140 with aspartic acid.
Molecular consequence: missense variant.
Genome position (GRCh38, 1-based): chr19:18,077,645, C>G on the plus strand (G>C on the coding strand, the complement: IL12RB1 is on the minus strand). VCF-style: chr19-18077645-C-G. GRCh37 (hg19) VCF-style: chr19-18188455-C-G.
Other names: c.420G>C, p.Glu140Asp (NM_001290023.2, NM_153701.3); c.540G>C, p.Glu180Asp (NM_001290024.2); short protein forms E140D, E180D.
Identifiers: ClinVar variation 569081 (VCV000569081.9), dbSNP rs368411705, ClinGen allele CA9305211.